The following is an entry in ClinVar:

ClinVar aggregate classification (germline): Uncertain significance (1 of 4 stars; one submission).

Submission:

Labcorp Genetics (formerly Invitae), Labcorp
Classification: Uncertain significance. Last evaluated: 2023-10-13. Review status: criteria provided, single submitter. Criteria: Invitae Variant Classification Sherloc (09022015). Collection method: clinical testing. Allele origin: germline.
Comment: This variant, c.665_685dup, results in the insertion of 7 amino acid(s) of the LONP1 protein (p.Val222_Glu228dup), but otherwise preserves the integrity of the reading frame. This variant is present in population databases (no rsID available, gnomAD 0.02%). This variant has not been reported in the literature in individuals affected with LONP1-related conditions. ClinVar contains an entry for this variant (Variation ID: 1912083). Experimental studies and prediction algorithms are not available or were not evaluated, and the functional significance of this variant is currently unknown. In summary, the available evidence is currently insufficient to determine the role of this variant in disease. Therefore, it has been classified as a Variant of Uncertain Significance.

NM_004793.4(LONP1):c.665_685dup (p.Glu228_Ala229insValGluProGluGluProGlu)

Gene: LONP1 (lon peptidase 1, mitochondrial; minus strand). Cytogenetic location: 19p13.3.
Variant type: Duplication.
Coding change: c.665_685dup on transcript NM_004793.4 (MANE Select); coding-DNA positions 665 to 685, 21 bases duplicated (TGGAGCCCGAGGAGCCGGAGG).
Protein change: p.Glu228_Ala229insValGluProGluGluProGlu.
Molecular consequence: inframe insertion. On other transcripts: non-coding transcript variant (1).
Genome position (GRCh38, 1-based): chr19:5,711,956-5,711,976, CCTCCGGCTCCTCGGGCTCCA duplicated on the plus strand (TGGAGCCCGAGGAGCCGGAGG on the coding strand, the reverse complement: LONP1 is on the minus strand); duplicating any 21 consecutive bases within chr19:5,711,956-5,711,981 gives the same sequence; the c. name uses the placement nearest the transcript's 3' end. VCF-style (leftmost placement, unchanged base first): chr19-5711955-G-GCCTCCGGCTCCTCGGGCTCCA. GRCh37 (hg19) VCF-style: chr19-5711966-G-GCCTCCGGCTCCTCGGGCTCCA.
Other names: c.473_493dup, p.Glu164_Ala165insValGluProGluGluProGlu (NM_001276479.2); c.77_97dup, p.Glu32_Ala33insValGluProGluGluProGlu (NM_001276480.1).
Identifiers: ClinVar variation 1912083 (VCV001912083.5), dbSNP rs1460998891, ClinGen allele CA631719007.
Genomic context (GRCh38, chr19:5,711,955, plus strand): 5'-TCGTCCTCCGCCTCCTTCTTGCCCCGCTTTGACTTCCTGCGGGGCTTGTGCTTGTTCTCC[G>GCCTCCGGCTCCTCGGGCTCCA]CCTCCGGCTCCTCGGGCTCCACCTCCAGCTGTCTGCTGATATGGACTCTGACACGGGAGC-3'